The following is an entry in ClinVar:

ClinVar aggregate classification (germline): Uncertain significance (1 of 4 stars; one submission).

Conditions:
Primary ciliary dyskinesia. Also called: Ciliary dyskinesia. Identifiers: Orphanet 244, MedGen C0008780, MONDO:0016575, HP:0012265.

Allele frequency attached by ClinVar (database versions not stated): gnomAD 0.00009 and 0.00008; ESP Exome Variant Server 0.00023.
gnomAD v4.1: 28 of 1,613,836 alleles (0.0017%); highest among the groups gnomAD compares: African/African-American, 0.035%; no homozygotes.

Submission:

Labcorp Genetics (formerly Invitae), Labcorp
Classification: Uncertain significance for Primary ciliary dyskinesia. Last evaluated: 2021-05-27. Review status: criteria provided, single submitter. Criteria: Invitae Variant Classification Sherloc (09022015). Collection method: clinical testing. Allele origin: germline.
Comment: This variant is present in population databases (rs141326848, ExAC 0.04%). This sequence change replaces glycine with valine at codon 388 of the DNAH8 protein (p.Gly388Val). The glycine residue is moderately conserved and there is a moderate physicochemical difference between glycine and valine. This variant has not been reported in the literature in individuals with DNAH8-related conditions. In summary, the available evidence is currently insufficient to determine the role of this variant in disease. Therefore, it has been classified as a Variant of Uncertain Significance. Algorithms developed to predict the effect of missense changes on protein structure and function are either unavailable or do not agree on the potential impact of this missense change (SIFT: "Deleterious"; PolyPhen-2: "Not Available"; Align-GVGD: "Class C0").

NM_001206927.2(DNAH8):c.1163G>T (p.Gly388Val)

Gene: DNAH8 (dynein axonemal heavy chain 8; plus strand). Cytogenetic location: 6p21.2.
Variant type: single nucleotide variant.
Coding change: c.1163G>T on transcript NM_001206927.2 (MANE Select); coding-DNA position 1163, G replaced by T.
Protein change: p.Gly388Val; replaces glycine 388 with valine.
Molecular consequence: missense variant.
Genome position (GRCh38, 1-based): chr6:38,741,757, G>T. VCF-style: chr6-38741757-G-T. GRCh37 (hg19) VCF-style: chr6-38709533-G-T.
Other names: c.512G>T, p.Gly171Val (NM_001371.4); short protein forms G171V, G388V.
Identifiers: ClinVar variation 1466654 (VCV001466654.6), dbSNP rs141326848, ClinGen allele CA3788154.
Genomic context (GRCh38, chr6:38,741,757, plus strand): 5'-TTTTTTGACTGCAGGTACTTATTGAGAGTGAGCAGATGAGAAAAGAAGCTGGTGATTCAG[G>T]TCCACTCACTGAATTGGAACACTGGAAACGCATGTCAGCCAAGTTCAACTATATCATTGA-3'
Protein context (NP_001193856.1, residues 378-398): EQMRKEAGDS[Gly388Val]PLTELEHWKR